The following is an entry in ClinVar:

NM_007186.6(CEP250):c.7310C>T (p.Thr2437Ile)

Gene: CEP250 (centrosomal protein 250; plus strand). Cytogenetic location: 20q11.22.
Variant type: single nucleotide variant.
Coding change: c.7310C>T on transcript NM_007186.6 (MANE Select); coding-DNA position 7310, C replaced by T.
Protein change: p.Thr2437Ile; replaces threonine 2437 with isoleucine.
Molecular consequence: missense variant.
Genome position (GRCh38, 1-based): chr20:35,511,607, C>T. VCF-style: chr20-35511607-C-T. GRCh37 (hg19) VCF-style: chr20-34099436-C-T.
Other names: c.5414C>T, p.Thr1805Ile (NM_001318219.1); short protein forms T1805I, T2437I.
Identifiers: ClinVar variation 1520273 (VCV001520273.3), dbSNP rs780500723, ClinGen allele CA9834281.

ClinVar aggregate classification (germline): Uncertain significance (1 of 4 stars; one submission).

Allele frequency attached by ClinVar (database versions not stated): ExAC 0.00002; gnomAD exomes 0.00002 and 0.00001; TOPMed 0.00002.
gnomAD v4.1: 9 of 1,610,192 alleles (0.00056%); highest among the groups gnomAD compares: Admixed American, 0.0067%; no homozygotes.

Submission:

Labcorp Genetics (formerly Invitae), Labcorp
Classification: Uncertain significance. Last evaluated: 2022-08-23. Review status: criteria provided, single submitter. Criteria: Invitae Variant Classification Sherloc (09022015). Collection method: clinical testing. Allele origin: germline.
Comment: This sequence change replaces threonine, which is neutral and polar, with isoleucine, which is neutral and non-polar, at codon 2437 of the CEP250 protein (p.Thr2437Ile). This variant is present in population databases (rs780500723, gnomAD 0.01%). This variant has not been reported in the literature in individuals affected with CEP250-related conditions. ClinVar contains an entry for this variant (Variation ID: 1520273). Algorithms developed to predict the effect of missense changes on protein structure and function are either unavailable or do not agree on the potential impact of this missense change (SIFT: "Not Available"; PolyPhen-2: "Benign"; Align-GVGD: "Not Available"). In summary, the available evidence is currently insufficient to determine the role of this variant in disease. Therefore, it has been classified as a Variant of Uncertain Significance.